The following is an entry in ClinVar:

ClinVar aggregate classification (germline): Likely benign (1 of 4 stars; one submission).

Allele frequency attached by ClinVar (database versions not stated): 1000 Genomes Project 0.00240; 1000 Genomes Project 30x 0.00250; gnomAD 0.00320; TOPMed 0.00320; ExAC 0.01552.
gnomAD v4.1: 5,183 of 1,278,322 alleles (0.41%); highest among the groups gnomAD compares: Middle Eastern, 1.3%; 29 homozygotes.

Submission:

CeGaT Center for Human Genetics Tuebingen
Classification: Likely benign. Last evaluated: 2022-12-01. Review status: criteria provided, single submitter. Criteria: CeGaT Center For Human Genetics Tuebingen Variant Classification Criteria Version 2. Collection method: clinical testing. Allele origin: germline. Affected: yes. Observed: 1 variant allele.
Comment: TXNRD1: BS2

NM_001093771.3(TXNRD1):c.1882-2321T>G

Gene: TXNRD1 (thioredoxin reductase 1; plus strand). Cytogenetic location: 12q23.3.
Variant type: single nucleotide variant.
Coding change: c.1882-2321T>G on transcript NM_001093771.3 (MANE Select); 2321 bases into the intron before coding-DNA position 1882, T replaced by G.
Molecular consequence: intron variant.
Genome position (GRCh38, 1-based): chr12:104,346,032, T>G. VCF-style: chr12-104346032-T-G. GRCh37 (hg19) VCF-style: chr12-104739810-T-G.
Other names: c.1582-2321T>G (NM_001261445.2); c.1588-2321T>G (NM_003330.4); c.1432-2321T>G (NM_182742.3, NM_182729.3, NM_182743.3); c.1318-2321T>G (NM_001261446.2).
Identifiers: ClinVar variation 2643253 (VCV002643253.24), dbSNP rs533467676, ClinGen allele CA6756430.